The following is an entry in ClinVar:

NM_007294.4(BRCA1):c.21C>G (p.Arg7=)

Gene: BRCA1 (BRCA1 DNA repair associated; minus strand). Cytogenetic location: 17q21.31.
Variant type: single nucleotide variant.
Coding change: c.21C>G on transcript NM_007294.4 (MANE Select); coding-DNA position 21, C replaced by G.
Protein change: p.Arg7=; no amino-acid change (arginine 7 retained).
Molecular consequence: synonymous variant. On other transcripts: 5 prime UTR variant (136), intron variant (36).
Genome position (GRCh38, 1-based): chr17:43,124,076, G>C on the plus strand (C>G on the coding strand, the complement: BRCA1 is on the minus strand). VCF-style: chr17-43124076-G-C. GRCh37 (hg19) VCF-style: chr17-41276093-G-C.
Other names: c.-240C>G (NM_001408503.1, NM_001408504.1, NM_001407725.1 and 22 more transcripts); c.-168C>G (NM_001408506.1, NM_001408507.1, NM_001408508.1 and 46 more transcripts); c.-287C>G (NM_001408513.1, NM_001407917.1, NM_001407954.1); c.-67C>G (NM_007297.4, NM_001407698.1, NM_001407732.1 and 23 more transcripts); c.21C>G, p.Arg7= (NM_007298.4, NM_007299.4, NM_007300.4 and 193 more transcripts); c.-61-8297C>G (NM_001408458.1); c.-219+1201C>G (NM_001407967.1); c.-170+1201C>G (NM_001407959.1); and 23 more.
Identifiers: ClinVar variation 865008 (VCV000865008.12), dbSNP rs149402012, ClinGen allele CA500131483.
Genomic context (GRCh38, chr17:43,124,076, plus strand): 5'-CCAGATGGGACACTCTAAGATTTTCTGCATAGCATTAATGACATTTTGTACTTCTTCAAC[G>C]CGAAGAGCAGATAAATCCATTTCTTTCTGTTCCAATGAACTTTAACACATTAGAAAAACA-3'
Protein context (NP_009225.1, residues 1-17): MDLSAL[Arg7=]VEEVQNVINA

ClinVar aggregate classification (germline): Likely benign (1 of 4 stars; one submission).

Conditions:
Hereditary breast ovarian cancer syndrome. Also called: Hereditary breast and/or ovarian cancer syndrome; BRCA1- and BRCA2-Associated Hereditary Breast and Ovarian Cancer; Hereditary breast and ovarian cancer syndrome; Hereditary breast and ovarian cancer; Hereditary breast and ovarian cancer syndrome (HBOC); Breast and ovarian cancer. Identifiers: Orphanet 145, MedGen C0677776, MeSH D061325, MONDO:0003582. Disease mechanism: loss of function.

Submissions (2):

Labcorp Genetics (formerly Invitae), Labcorp
Classification: Likely benign for Hereditary breast ovarian cancer syndrome. Last evaluated: 2019-11-20. Review status: criteria provided, single submitter. Criteria: Invitae Variant Classification Sherloc (09022015). Collection method: clinical testing. Allele origin: germline.

Brotman Baty Institute, University of Washington
No classification provided (evidence only). Condition: Breast-ovarian cancer, familial 1. Review status: no classification provided. Collection method: in vitro. Allele origin: not applicable. Functional consequence: functionally_normal. Not counted in ClinVar's aggregate classification.
ClinVar note: "not provided" was previously submitted as the classification for the variant. However, the classification appeared to be based only on an observation of functional data so it was converted to no classification on 2025-07-30.